The following is an entry in ClinVar:

ClinVar aggregate classification (germline): Pathogenic (1 of 4 stars; one submission).

Conditions:
Tuberous sclerosis 2 (TSC2). Identifiers: Orphanet 805, MedGen C1860707, MONDO:0013199, OMIM 613254.

Submission:

Labcorp Genetics (formerly Invitae), Labcorp
Classification: Pathogenic for Tuberous sclerosis 2. Last evaluated: 2018-07-19. Review status: criteria provided, single submitter. Criteria: Invitae Variant Classification Sherloc (09022015). Collection method: clinical testing. Allele origin: germline.
Comment: This variant is a gross deletion of the genomic region encompassing exons 6-42 of the TSC2 gene. The 5' boundary is likely confined to intron 4. The 3' end of this event is unknown as it extends through the termination codon beyond the assayed region for this gene and may encompass additional genes. While this deletion is not anticipated to result in nonsense mediated decay, it is expected to create a truncated protein product or disrupt mRNA translation. Similar deletions of exons 6-42 have been observed in individuals affected with tuberous sclerosis complex (PMID: 27406250, Invitae). Smaller in-frame deletions (e11 deletion and e11-e12 deletion, also knows as e10 deletion and e10-e11 deletion in the literature) that are fully encompassed by this deletion have been reported in individuals affected with tuberous sclerosis complex and have been determined to be pathogenic (PMID: 17287951, 11112665, 21520333).Â¬â€ This suggests that deletion of this region of the TSC2 protein is causative of disease. For these reasons, this variant has been classified as Pathogenic.

Literature cited by the submitters: PubMed 17287951; PubMed 21520333; PubMed 27406250; PubMed 11112665.

NM_000548.3(TSC2):c.482_*102del

Genes: PKD1 (polycystin 1, transient receptor potential channel interacting; minus strand), TSC2 (TSC complex subunit 2; plus strand). Cytogenetic location: 16p13.3.
Variant type: Deletion.
Coding change: c.482_*102del on transcript NM_000548.3; coding-DNA position 482 through 102 bases downstream of the stop codon, this stretch deleted.
Other names: c.482_*102del (LRG_487t1).
Identifiers: ClinVar variation 665473 (VCV000665473.1).